The following is an entry in ClinVar:

ClinVar aggregate classification (germline): Likely benign (0 of 4 stars; one submission).

Conditions:
COG4-related disorder. Also called: COG4-related condition.

Allele frequency attached by ClinVar (database versions not stated): gnomAD 0.00001; ExAC 0.00002; gnomAD exomes 0.00003.
gnomAD v4.1: 45 of 1,614,008 alleles (0.0028%); highest among the groups gnomAD compares: South Asian, 0.0088%; no homozygotes.

Submission:

PreventionGenetics, part of Exact Sciences
Classification: Likely benign for COG4-related condition. Last evaluated: 2020-02-10. Review status: no assertion criteria provided. Collection method: clinical testing. Allele origin: germline.
Comment: This variant is classified as likely benign based on ACMG/AMP sequence variant interpretation guidelines (Richards et al. 2015 PMID: 25741868, with internal and published modifications).

NM_015386.3(COG4):c.1545C>T (p.Arg515=)

Gene: COG4 (component of oligomeric golgi complex 4; minus strand). Cytogenetic location: 16q22.1.
Variant type: single nucleotide variant.
Coding change: c.1545C>T on transcript NM_015386.3 (MANE Select); coding-DNA position 1545, C replaced by T.
Protein change: p.Arg515=; no amino-acid change (arginine 515 retained).
Molecular consequence: synonymous variant. On other transcripts: non-coding transcript variant (1).
Genome position (GRCh38, 1-based): chr16:70,496,368, G>A on the plus strand (C>T on the coding strand, the complement: COG4 is on the minus strand). VCF-style: chr16-70496368-G-A. GRCh37 (hg19) VCF-style: chr16-70530271-G-A.
Other names: c.1533C>T, p.Arg511= (NM_001195139.2); c.1119C>T, p.Arg373= (NM_001365426.1).
Identifiers: ClinVar variation 3051280 (VCV003051280.2), dbSNP rs770365416, ClinGen allele CA8144298.